The following is an entry in ClinVar:

NM_182504.4(TMEM270):c.126C>G (p.Leu42=)

Gene: TMEM270 (transmembrane protein 270; plus strand). Cytogenetic location: 7q11.23.
Variant type: single nucleotide variant.
Coding change: c.126C>G on transcript NM_182504.4 (MANE Select); coding-DNA position 126, C replaced by G.
Protein change: p.Leu42=; no amino-acid change (leucine 42 retained).
Molecular consequence: synonymous variant.
Genome position (GRCh38, 1-based): chr7:73,865,046, C>G. VCF-style: chr7-73865046-C-G. GRCh37 (hg19) VCF-style: chr7-73279376-C-G.
Identifiers: ClinVar variation 4533524 (VCV004533524.6).

ClinVar aggregate classification (germline): Likely benign (1 of 4 stars; one submission).

gnomAD v4.1: 5,456 of 1,523,548 alleles (0.36%); highest among the groups gnomAD compares: Non-Finnish European, 0.42%; 5 homozygotes.

Submission:

CeGaT Center for Human Genetics Tuebingen
Classification: Likely benign. Last evaluated: 2026-04-01. Review status: criteria provided, single submitter. Criteria: CeGaT Center For Human Genetics Tuebingen Variant Classification Criteria Version 2. Collection method: clinical testing. Allele origin: germline. Affected: yes. Observed: 4 variant alleles.
Comment: TMEM270: BP4, BP7